The following is an entry in ClinVar:

ClinVar aggregate classification (germline): Uncertain significance (1 of 4 stars; one submission).

Conditions:
Cardiomyopathy (CMYO). Also called: Cardiomyopathies. Identifiers: Orphanet 167848, MedGen C0878544, MONDO:0004994, HP:0001638. Inheritance: Various modes of inheritance.

Allele frequency attached by ClinVar (database versions not stated): gnomAD exomes below 0.00001.
gnomAD v4.1: 1 of 1,613,986 alleles (0.000062%); highest among the groups gnomAD compares: South Asian, 0.0011%; no homozygotes.

Submission:

Color Diagnostics, LLC DBA Color Health
Classification: Uncertain significance for Cardiomyopathy. Last evaluated: 2023-12-05. Review status: criteria provided, single submitter. Criteria: ACMG Guidelines, 2015. Collection method: clinical testing. Allele origin: germline.
Comment: This missense variant replaces glycine with alanine at codon 169 of the DSP protein. Computational prediction tools and conservation analyses are inconclusive regarding the impact of this variant on the protein function. Computational splicing tools suggest that this variant may not impact RNA splicing. To our knowledge, functional assays have not been performed for this variant nor has this variant been reported in individuals affected with cardiovascular disorders in the literature. This variant has not been identified in the general population by the Genome Aggregation Database (gnomAD). Available evidence is insufficient to determine the role of this variant in disease conclusively. Therefore, this variant is classified as a Variant of Uncertain Significance.

NM_004415.4(DSP):c.506G>C (p.Gly169Ala)

Gene: DSP (desmoplakin; plus strand). Cytogenetic location: 6p24.3.
Variant type: single nucleotide variant.
Coding change: c.506G>C on transcript NM_004415.4 (MANE Select); coding-DNA position 506, G replaced by C.
Protein change: p.Gly169Ala; replaces glycine 169 with alanine.
Molecular consequence: missense variant.
Genome position (GRCh38, 1-based): chr6:7,559,309, G>C. VCF-style: chr6-7559309-G-C. GRCh37 (hg19) VCF-style: chr6-7559542-G-C.
Other names: c.506G>C, p.Gly169Ala (NM_001008844.3, NM_001319034.2); short protein forms G169A.
Identifiers: ClinVar variation 922373 (VCV000922373.5), dbSNP rs1758605175, ClinGen allele CA362672456.